The following is an entry in ClinVar:

ClinVar aggregate classification (germline): Likely pathogenic (1 of 4 stars; one submission).

Conditions:
Duchenne muscular dystrophy (DMD). Also called: Duchenne Muscular Dystrophy (DMD); MUSCULAR DYSTROPHY, PSEUDOHYPERTROPHIC PROGRESSIVE, DUCHENNE TYPE. Identifiers: Orphanet 98896, MedGen C0013264, MONDO:0010679, OMIM 310200.

Submission:

3billion
Classification: Likely pathogenic for Duchenne muscular dystrophy. Last evaluated: 2023-02-23. Review status: criteria provided, single submitter. Criteria: ACMG Guidelines, 2015. Collection method: clinical testing. Allele origin: unknown. Affected: yes.
Comment: The variant is not observed in the gnomAD v2.1.1 dataset. This variant was predicted to result in a loss or disruption of normal protein function through nonsense-mediated decay (NMD) or protein truncation. Multiple pathogenic variants are reported downstream of the variant. Therefore, this variant is classified as Likely pathogenic according to the recommendation of ACMG/AMP guideline.

NM_004006.3(DMD):c.1999C>T (p.Gln667Ter)

Gene: DMD (dystrophin; minus strand). Cytogenetic location: Xp21.1.
Variant type: single nucleotide variant.
Coding change: c.1999C>T on transcript NM_004006.3 (MANE Select); coding-DNA position 1999, C replaced by T.
Protein change: p.Gln667Ter; replaces glutamine 667 with a stop codon.
Molecular consequence: nonsense.
Genome position (GRCh38, 1-based): chrX:32,545,328, G>A on the plus strand (C>T on the coding strand, the complement: DMD is on the minus strand). VCF-style: chrX-32545328-G-A. GRCh37 (hg19) VCF-style: chrX-32563445-G-A.
Other names: c.1975C>T, p.Gln659Ter (NM_000109.4); c.1987C>T, p.Gln663Ter (NM_004009.3); c.1630C>T, p.Gln544Ter (NM_004010.3); short protein forms Q544*, Q659*, Q663*, Q667*.
Identifiers: ClinVar variation 2444075 (VCV002444075.1), dbSNP rs2526095429, ClinGen allele CA412668680.
Genomic context (GRCh38, chrX:32,545,328, plus strand): 5'-TAGTTACTGTTTCCATTACAGTTGTCTGTGTTAGTGATGGCTGAGTGGTGGTGACAGCCT[G>A]TGAAATCTGTGAGAAGTATTGAAACAGAGGTCAGACATTGCTAGAAAGACTTCAGTAAAG-3'